The following is an entry in ClinVar:

NM_024577.4(SH3TC2):c.1797_1800dup (p.Cys601fs)

Gene: SH3TC2 (SH3 domain and tetratricopeptide repeats 2; minus strand). Cytogenetic location: 5q32.
Variant type: Duplication.
Coding change: c.1797_1800dup on transcript NM_024577.4 (MANE Select); coding-DNA positions 1797 to 1800, 4 bases duplicated (GGCC; older notation c.1797_1800dupGGCC).
Protein change: p.Cys601fs; shifts the reading frame from cysteine 601.
Molecular consequence: frameshift variant.
Genome position (GRCh38, 1-based): chr5:149,027,932-149,027,935, GGCC duplicated on the plus strand (GGCC on the coding strand, the reverse complement: SH3TC2 is on the minus strand). VCF-style (leftmost placement, unchanged base first): chr5-149027931-A-AGGCC. GRCh37 (hg19) VCF-style: chr5-148407494-A-AGGCC.
Other names: c.1797_1800dupGGCC (NM_024577.3); short protein forms C601fs.
Identifiers: ClinVar variation 246532 (VCV000246532.2), dbSNP rs749963147, ClinGen allele CA3499119.

ClinVar aggregate classification (germline): Pathogenic (1 of 4 stars; one submission).

Allele frequency attached by ClinVar (database versions not stated): gnomAD exomes 0.00001 and 0.00002; ExAC 0.00003.

Submission:

GeneDx
Classification: Pathogenic. Last evaluated: 2016-04-14. Review status: criteria provided, single submitter. Criteria: GeneDx Variant Classification (06012015). Collection method: clinical testing. Allele origin: germline. Affected: yes.
Comment: The c.1797_1800dupGGCC variant has not been published as a pathogenic variant, nor has it been reported as a benign variant to our knowledge. It was not observed in approximately 6,500 individuals of European and African American ancestry in the NHLBI Exome Sequencing Project, indicating it is not a common benign variant in these populations. The c.1797_1800dupGGCC variant gene causes a frameshift starting with codon Cysteine 601, changes this amino acid to a Glycine residue and creates a premature Stop codon at position 5 of the new reading frame, denoted p.Cys601GlyfsX5. This variant is predicted to cause loss of normal protein function either through protein truncation or nonsense-mediated mRNA decay. Therefore, this variant is likely pathogenic; however, the possibility that it is benign cannot be excluded.